The following continues an entry in ClinVar:

NM_007194.4(CHEK2):c.475T>C (p.Tyr159His)

Gene: CHEK2. ClinVar aggregate classification (germline): Conflicting classifications of pathogenicity. Likely pathogenic (1); Uncertain significance (12).

Submissions 10 to 14 of 14:

Myriad Genetics, Inc.
Classification: Uncertain significance for Familial cancer of breast. Last evaluated: 2023-03-08. Review status: criteria provided, single submitter. Criteria: Myriad Autosomal Dominant, Autosomal Recessive and X-Linked Classification Criteria (2023). Collection method: clinical testing. Allele origin: unknown.
Comment: This variant is classified as a variant of uncertain significance as there is insufficient evidence to determine its impact on protein function and/or cancer risk.

Francois Mercier Lab, McGill University
Classification: Likely pathogenic. Last evaluated: 2021-05-12. Review status: criteria provided, single submitter. Criteria: ACMG Guidelines, 2015. Collection method: research, in vitro. Allele origin: germline, not applicable. Affected: yes. Observed: 1 variant allele, 1 heterozygote. Functional consequence: effect on protein interaction.
Comment: The CHEK2 c.475T>C variant leads to the amino acid change Y159H in the functionally important forkhead-associated (FHA) domain. The FHA domain appears to be critical for the binding to downstream BRCA1 (Li 2002). The Y159H variant is rare in population databases and is predicted as likely damaging to protein function by in silico tools. The variant is considered of uncertain significance by most laboratories and this is supported by the ACMG criteria (PM1, PM2, PP3, Richards 2015). We generated in vitro experimental evidence suggesting the Y159H variant disrupts binding to BRCA1, similarly to the I157T variant that is considered to be pathogenic by some. This consists of additional supporting level evidence for pathogenicity (Brnich 2020). These findings require validation by other laboratories but suggest the Y159H may be likely pathogenic.

Mendelics
Classification: Uncertain significance for Familial cancer of breast. Last evaluated: 2018-07-02. Review status: criteria provided, single submitter. Criteria: Mendelics Assertion Criteria 2017. Collection method: clinical testing. Allele origin: unknown.

GeneDx
Classification: Uncertain significance. Last evaluated: 2016-07-21. Review status: criteria provided, single submitter. Criteria: GeneDx Variant Classification (06012015). Collection method: clinical testing. Allele origin: germline. Affected: yes.
Comment: This variant is denoted CHEK2 c.475T>C at the cDNA level, p.Tyr159His (Y159H) at the protein level, and results in the change of a Tyrosine to a Histidine (TAC>CAC). CHEK2 Tyr159His was not observed in approximately 6,500 individuals of European and African American ancestry in the NHLBI Exome Sequencing Project, suggesting it is not a common benign variant in these populations. Since Tyrosine and Histidine differ in polarity, charge, size or other properties, this is considered a non-conservative amino acid substitution. CHEK2 Tyr159His occurs at a position that is conserved across species and is located in within the FHA domain (Desrichard 2011, Roeb 2012). In silico analyses predict that this variant is probably damaging to protein structure and function. Based on currently available evidence, it is unclear whether CHEK2 Tyr159His is pathogenic or benign. We consider it to be a variant of uncertain significance.

Counsyl
Classification: Uncertain significance for Familial cancer of breast. Last evaluated: 2017-11-28. Review status: no assertion criteria provided. Collection method: clinical testing. Allele origin: unknown. Not counted in ClinVar's aggregate classification.

Literature cited by the submitters: PubMed 18058223 (cited by 5 submitters); PubMed 21744992 (cited by 4 submitters); PubMed 31300551 (cited by 4 submitters); PubMed 36139606 (cited by 3 submitters); PubMed 30851065 (cited by 4 submitters); PubMed 33986034 (cited by 5 submitters); PubMed 37449874 (cited by 3 submitters); PubMed 35264596 (cited by Ambry Genetics and Women's Health and Genetics/Laboratory Corporation of America, LabCorp); PubMed 35643632 (cited by Ambry Genetics); PubMed 33471991 (cited by Color Diagnostics, LLC DBA Color Health and Women's Health and Genetics/Laboratory Corporation of America, LabCorp); DOI 10.1101/mcs.a006090 (cited by Francois Mercier Lab, McGill University).